The following is an entry in ClinVar:

NM_005045.4(RELN):c.1377G>A (p.Arg459=)

Genes: RELN (reelin; minus strand), LOC126860131 (MED14-independent group 3 enhancer GRCh37_chr7:103301048-103302247; plus strand). Cytogenetic location: 7q22.1.
Variant type: single nucleotide variant.
Coding change: c.1377G>A on transcript NM_005045.4 (MANE Select); coding-DNA position 1377, G replaced by A.
Protein change: p.Arg459=; no amino-acid change (arginine 459 retained).
Molecular consequence: synonymous variant.
Genome position (GRCh38, 1-based): chr7:103,661,440, C>T on the plus strand (G>A on the coding strand, the complement: RELN is on the minus strand). VCF-style: chr7-103661440-C-T. GRCh37 (hg19) VCF-style: chr7-103301887-C-T.
Other names: c.1377G>A, p.Arg459= (NM_173054.3).
Identifiers: ClinVar variation 130114 (VCV000130114.53), dbSNP rs73712207, ClinGen allele CA154906.
Genomic context (GRCh38, chr7:103,661,440, plus strand): 5'-CACAAAGTAAAACCTCAGGTTCCCATAACCGGTAGTGTCCATGGATGGAGTGCATAATTT[C>T]CTCTCTCCATCTTTGAGGAAGACCATTGATAAGCCTGATTCTATCGTTCCACATTCTGTA-3'
Protein context (NP_005036.2, residues 449-469): LSMVFLKDGE[Arg459=]KLCTPSMDTT

ClinVar aggregate classification (germline): Benign/Likely benign. Review status: criteria provided, multiple submitters, no conflicts (2 of 4 stars). 8 submissions from 8 submitters: Benign (2); Likely benign (5). 1 of the submissions does not count toward it. Last evaluated 2026-01-19.

Conditions:
Norman-Roberts syndrome (LIS2). Also called: Lissencephaly 2 (Norman-Roberts type). Identifiers: Orphanet 89844, MedGen C0796089, MONDO:0009760, OMIM 257320.
Familial temporal lobe epilepsy 7. Identifiers: Orphanet 101046, MedGen C4225327, MONDO:0014639, OMIM 616436.

Allele frequency attached by ClinVar (database versions not stated): gnomAD exomes 0.00021; ExAC 0.00064; 1000 Genomes Project 0.00120; 1000 Genomes Project 30x 0.00172; gnomAD 0.00185; TOPMed 0.00222; ESP Exome Variant Server 0.00246.
gnomAD v4.1: 618 of 1,613,462 alleles (0.038%); highest among the groups gnomAD compares: African/African-American, 0.68%; 3 homozygotes.

Submissions (8):

Labcorp Genetics (formerly Invitae), Labcorp
Classification: Benign for Familial temporal lobe epilepsy 7; Norman-Roberts syndrome. Last evaluated: 2026-01-19. Review status: criteria provided, single submitter. Criteria: Invitae Variant Classification Sherloc (09022015). Collection method: clinical testing. Allele origin: germline.

Blueprint Genetics
Classification: Likely benign. Last evaluated: 2024-11-25. Review status: criteria provided, single submitter. Criteria: ACMG Guidelines, 2015. Collection method: clinical testing. Allele origin: germline.

CeGaT Center for Human Genetics Tuebingen
Classification: Likely benign. Last evaluated: 2024-06-01. Review status: criteria provided, single submitter. Criteria: CeGaT Center For Human Genetics Tuebingen Variant Classification Criteria Version 2. Collection method: clinical testing. Allele origin: germline. Affected: yes. Observed: 2 variant alleles.
Comment: RELN: BP4, BP7, BS2

GeneDx
Classification: Likely benign. Last evaluated: 2021-06-22. Review status: criteria provided, single submitter. Criteria: GeneDx Variant Classification Process June 2021. Collection method: clinical testing. Allele origin: germline. Affected: yes.

Athena Diagnostics
Classification: Benign. Last evaluated: 2019-09-24. Review status: criteria provided, single submitter. Criteria: Athena Diagnostics Criteria. Collection method: clinical testing. Allele origin: unknown.

Illumina Laboratory Services, Illumina
Classification: Likely benign for Norman-Roberts syndrome. Last evaluated: 2018-01-13. Review status: criteria provided, single submitter. Criteria: ICSL Variant Classification Criteria 13 December 2019. Collection method: clinical testing. Allele origin: germline.
Comment: This variant was observed in the ICSL laboratory as part of a predisposition screen in an ostensibly healthy population. It had not been previously curated by ICSL or reported in the Human Gene Mutation Database (HGMD: prior to June 1st, 2018), and was therefore a candidate for classification through an automated scoring system. Utilizing variant allele frequency, disease prevalence and penetrance estimates, and inheritance mode, an automated score was calculated to assess if this variant is too frequent to cause the disease. Based on the score and internal cut-off values, a variant classified as likely benign is not then subjected to further curation. The score for this variant resulted in a classification of likely benign for this disease.

Eurofins Ntd Llc (ga)
Classification: Likely benign. Last evaluated: 2014-11-25. Review status: criteria provided, single submitter. Criteria: EGL Classification Definitions 2015. Collection method: clinical testing. Allele origin: germline. Observed: 3 variant alleles, 3 heterozygotes.

Genetic Services Laboratory, University of Chicago
Classification: Likely benign for AllHighlyPenetrant. Review status: no assertion criteria provided. Collection method: clinical testing. Allele origin: germline. Inheritance: Autosomal recessive inheritance. Not counted in ClinVar's aggregate classification.
Comment: Likely benign based on allele frequency in 1000 Genomes Project or ESP global frequency and its presence in a patient with a rare or unrelated disease phenotype. NOT Sanger confirmed.